The following is an entry in ClinVar:

ClinVar aggregate classification (germline): Uncertain significance (1 of 4 stars; one submission).

Conditions:
Dilated cardiomyopathy 1KK (CMD1KK). Identifiers: Orphanet 154, Orphanet 75249, MedGen C3714995, MONDO:0014100, OMIM 615248.

Submission:

Labcorp Genetics (formerly Invitae), Labcorp
Classification: Uncertain significance for Dilated cardiomyopathy 1KK. Last evaluated: 2022-05-06. Review status: criteria provided, single submitter. Criteria: Invitae Variant Classification Sherloc (09022015). Collection method: clinical testing. Allele origin: germline.
Comment: This sequence change replaces glycine, which is neutral and non-polar, with arginine, which is basic and polar, at codon 1291 of the MYPN protein (p.Gly1291Arg). This variant is not present in population databases (gnomAD no frequency). This variant has not been reported in the literature in individuals affected with MYPN-related conditions. ClinVar contains an entry for this variant (Variation ID: 847305). Algorithms developed to predict the effect of missense changes on protein structure and function are either unavailable or do not agree on the potential impact of this missense change (SIFT: "Tolerated"; PolyPhen-2: "Probably Damaging"; Align-GVGD: "Class C0"). In summary, the available evidence is currently insufficient to determine the role of this variant in disease. Therefore, it has been classified as a Variant of Uncertain Significance.

NM_032578.4(MYPN):c.3871G>A (p.Gly1291Arg)

Gene: MYPN (myopalladin; plus strand). Cytogenetic location: 10q21.3.
Variant type: single nucleotide variant.
Coding change: c.3871G>A on transcript NM_032578.4 (MANE Select); coding-DNA position 3871, G replaced by A.
Protein change: p.Gly1291Arg; replaces glycine 1291 with arginine.
Molecular consequence: missense variant. On other transcripts: non-coding transcript variant (2).
Genome position (GRCh38, 1-based): chr10:68,210,363, G>A. VCF-style: chr10-68210363-G-A. GRCh37 (hg19) VCF-style: chr10-69970120-G-A.
Other names: c.3871G>A, p.Gly1291Arg (NM_001256267.2); c.2989G>A, p.Gly997Arg (NM_001256268.2); short protein forms G997R, G1291R.
Identifiers: ClinVar variation 847305 (VCV000847305.9), dbSNP rs2043890485, ClinGen allele CA376830086.